The following is an entry in ClinVar:

ClinVar aggregate classification (germline): Uncertain significance (1 of 4 stars; one submission).

Conditions:
Hereditary cancer-predisposing syndrome. Also called: Neoplastic Syndromes, Hereditary; Tumor predisposition; Hereditary neoplastic syndrome; Hereditary Cancer Syndrome. Identifiers: Orphanet 140162, MedGen C0027672, MeSH D009386, MONDO:0015356.

Submission:

Ambry Genetics
Classification: Uncertain significance for Hereditary cancer-predisposing syndrome. Last evaluated: 2024-02-27. Review status: criteria provided, single submitter. Criteria: Ambry Variant Classification Scheme 2023. Collection method: clinical testing. Allele origin: germline.
Comment: The p.N803T variant (also known as c.2408A>C), located in coding exon 23 of the RB1 gene, results from an A to C substitution at nucleotide position 2408. The asparagine at codon 803 is replaced by threonine, an amino acid with similar properties. This amino acid position is conserved. In addition, the in silico prediction for this alteration is inconclusive. Based on the available evidence, the clinical significance of this alteration remains unclear.

NM_000321.3(RB1):c.2408A>C (p.Asn803Thr)

Gene: RB1 (RB transcriptional corepressor 1; plus strand). Cytogenetic location: 13q14.2.
Variant type: single nucleotide variant.
Coding change: c.2408A>C on transcript NM_000321.3 (MANE Select); coding-DNA position 2408, A replaced by C.
Protein change: p.Asn803Thr; replaces asparagine 803 with threonine.
Molecular consequence: missense variant.
Genome position (GRCh38, 1-based): chr13:48,465,287, A>C. VCF-style: chr13-48465287-A-C. GRCh37 (hg19) VCF-style: chr13-49039423-A-C.
Other names: c.2408A>C, p.Asn803Thr (NM_001407165.1); short protein forms N803T.
Identifiers: ClinVar variation 3231220 (VCV003231220.1), dbSNP rs2138345856, ClinGen allele CA388167914.